The following is an entry in ClinVar:

NM_001378418.1(TCF20):c.2645C>T (p.Ala882Val)

Gene: TCF20 (transcription factor 20; minus strand). Cytogenetic location: 22q13.2.
Variant type: single nucleotide variant.
Coding change: c.2645C>T on transcript NM_001378418.1 (MANE Select); coding-DNA position 2645, C replaced by T.
Protein change: p.Ala882Val; replaces alanine 882 with valine.
Molecular consequence: missense variant.
Genome position (GRCh38, 1-based): chr22:42,212,661, G>A on the plus strand (C>T on the coding strand, the complement: TCF20 is on the minus strand). VCF-style: chr22-42212661-G-A. GRCh37 (hg19) VCF-style: chr22-42608667-G-A.
Other names: c.2645C>T, p.Ala882Val (NM_005650.4, NM_181492.3); short protein forms A882V.
Identifiers: ClinVar variation 2510796 (VCV002510796.5), dbSNP rs778749289, ClinGen allele CA10266986.
Genomic context (GRCh38, chr22:42,212,661, plus strand): 5'-GGATTGAGACGGTCATTCCTCCCAATTCTGGTGTCGGCACTCATGTGTCCCAGTGAGTGA[G>A]CCCCTGGGTCCCTGACAATCTGTCTTAGTGGAGAAATATCACAGATCACTGATCTTCTTT-3'
Protein context (NP_001365347.1, residues 872-892): PLRQIVRDPG[Ala882Val]HSLGHMSADT

ClinVar aggregate classification (germline): Conflicting classifications of pathogenicity. Review status: criteria provided, conflicting classifications (1 of 4 stars). 2 submissions from 2 submitters: Uncertain significance (1); Likely benign (1). Last evaluated 2023-12-01.

Conditions:
Inborn genetic diseases. Identifiers: MedGen C0950123, MeSH D030342.

Allele frequency attached by ClinVar (database versions not stated): ExAC 0.00002; TOPMed 0.00004; gnomAD 0.00005.
gnomAD v4.1: 110 of 1,614,042 alleles (0.0068%); highest among the groups gnomAD compares: Non-Finnish European, 0.0084%; no homozygotes.

Submissions (2):

Labcorp Genetics (formerly Invitae), Labcorp
Classification: Uncertain significance. Last evaluated: 2023-12-01. Review status: criteria provided, single submitter. Criteria: Invitae Variant Classification Sherloc (09022015). Collection method: clinical testing. Allele origin: germline.
Comment: This sequence change replaces alanine, which is neutral and non-polar, with valine, which is neutral and non-polar, at codon 882 of the TCF20 protein (p.Ala882Val). This variant is present in population databases (rs778749289, gnomAD 0.008%). This variant has not been reported in the literature in individuals affected with TCF20-related conditions. ClinVar contains an entry for this variant (Variation ID: 2510796). An algorithm developed to predict the effect of missense changes on protein structure and function (PolyPhen-2) suggests that this variant is likely to be tolerated. In summary, the available evidence is currently insufficient to determine the role of this variant in disease. Therefore, it has been classified as a Variant of Uncertain Significance.

Ambry Genetics
Classification: Likely benign for Inborn genetic diseases. Last evaluated: 2023-05-04. Review status: criteria provided, single submitter. Criteria: Ambry Variant Classification Scheme 2023. Collection method: clinical testing. Allele origin: germline.